The following is an entry in ClinVar:

NM_000334.4(SCN4A):c.*2170G>A

Genes: GH-LCR (growth hormone locus control region; plus strand), SCN4A (sodium voltage-gated channel alpha subunit 4; minus strand). Cytogenetic location: 17q23.3.
Variant type: single nucleotide variant.
Coding change: c.*2170G>A on transcript NM_000334.4 (MANE Select); 2170 bases downstream of the stop codon, G replaced by A.
Molecular consequence: 3 prime UTR variant.
Genome position (GRCh38, 1-based): chr17:63,938,601, C>T on the plus strand (G>A on the coding strand, the complement: SCN4A is on the minus strand). VCF-style: chr17-63938601-C-T. GRCh37 (hg19) VCF-style: chr17-62015961-C-T.
Identifiers: ClinVar variation 889220 (VCV000889220.4), dbSNP rs569759069, ClinGen allele CA292954672.

ClinVar aggregate classification (germline): Conflicting classifications of pathogenicity. Review status: criteria provided, conflicting classifications (1 of 4 stars). 5 submissions from 1 submitter: Uncertain significance (1); Benign (4). Last evaluated 2018-01-12.

Conditions:
Hyperkalemic periodic paralysis. Also called: Gamstorp disease; Familial hyperkalemic periodic paralysis. Identifiers: Orphanet 682, MedGen C0238357, MONDO:0008224, OMIM 170500, HP:0007215.
Congenital myasthenic syndrome 16. Identifiers: Orphanet 590, MedGen C3280112, MONDO:0013620, OMIM 614198.
Paramyotonia congenita of Von Eulenburg. Also called: PARALYSIS PERIODICA PARAMYOTONICA; Eulenburg disease; Myotonia congenita intermittens; Von Eulenburg paramyotonia congenita; Paramyotonia Congenita. Identifiers: Orphanet 684, MedGen C0221055, MONDO:0008195, OMIM 168300. Disease mechanism: loss of function.
Potassium-aggravated myotonia. Also called: Myotonia congenita, atypical, acetazolamide-responsive; MYOTONIA CONGENITA, ACETAZOLAMIDE-RESPONSIVE; MYOTONIA CONGENITA, ATYPICAL; SODIUM CHANNEL MUSCLE DISEASE. Identifiers: Orphanet 612, Orphanet 99734, Orphanet 99735, Orphanet 99736, MedGen C2931826, MONDO:0018959, OMIM 608390.
Hypokalemic periodic paralysis, type 2 (HOKPP2). Identifiers: Orphanet 681, MedGen C2750061, MONDO:0013234, OMIM 613345.

Allele frequency attached by ClinVar (database versions not stated): gnomAD 0.00116 and 0.00108; 1000 Genomes Project 0.00200; TOPMed 0.00115; 1000 Genomes Project 30x 0.00281.

Submissions (5):

Illumina Laboratory Services, Illumina
Classification: Uncertain significance for Congenital myasthenic syndrome 16. Last evaluated: 2018-01-12. Review status: criteria provided, single submitter. Criteria: ICSL Variant Classification Criteria 13 December 2019. Collection method: clinical testing. Allele origin: germline.

Illumina Laboratory Services, Illumina
Classification: Benign for Hyperkalemic periodic paralysis. Last evaluated: 2018-01-12. Review status: criteria provided, single submitter. Criteria: ICSL Variant Classification Criteria 13 December 2019. Collection method: clinical testing. Allele origin: germline.
Comment: This variant was observed in the ICSL laboratory as part of a predisposition screen in an ostensibly healthy population. It had not been previously curated by ICSL or reported in the Human Gene Mutation Database (HGMD: prior to June 1st, 2018), and was therefore a candidate for classification through an automated scoring system. Utilizing variant allele frequency, disease prevalence and penetrance estimates, and inheritance mode, an automated score was calculated to assess if this variant is too frequent to cause the disease. Based on the score and internal cut-off values, a variant classified as benign is not then subjected to further curation. The score for this variant resulted in a classification of benign for this disease.

Illumina Laboratory Services, Illumina
Classification: Benign for Paramyotonia congenita of Von Eulenburg. Last evaluated: 2018-01-12. Review status: criteria provided, single submitter. Criteria: ICSL Variant Classification Criteria 13 December 2019. Collection method: clinical testing. Allele origin: germline.
Comment: the same text as in the submission from Illumina Laboratory Services, Illumina above.

Illumina Laboratory Services, Illumina
Classification: Benign for Potassium-aggravated myotonia. Last evaluated: 2018-01-12. Review status: criteria provided, single submitter. Criteria: ICSL Variant Classification Criteria 13 December 2019. Collection method: clinical testing. Allele origin: germline.
Comment: the same text as in the submission from Illumina Laboratory Services, Illumina above.

Illumina Laboratory Services, Illumina
Classification: Benign for Hypokalemic periodic paralysis, type 2. Last evaluated: 2018-01-12. Review status: criteria provided, single submitter. Criteria: ICSL Variant Classification Criteria 13 December 2019. Collection method: clinical testing. Allele origin: germline.
Comment: the same text as in the submission from Illumina Laboratory Services, Illumina above.